The following is an entry in ClinVar:

ClinVar aggregate classification (germline): Uncertain significance (1 of 4 stars; one submission).

Conditions:
Hereditary cancer-predisposing syndrome. Also called: Neoplastic Syndromes, Hereditary; Tumor predisposition; Hereditary Cancer Syndrome; Hereditary neoplastic syndrome. Identifiers: Orphanet 140162, MedGen C0027672, MeSH D009386, MONDO:0015356.

Submission:

Ambry Genetics
Classification: Uncertain significance for Hereditary cancer-predisposing syndrome. Last evaluated: 2014-10-15. Review status: criteria provided, single submitter. Criteria: Ambry Variant Classification Scheme 2023. Collection method: clinical testing. Allele origin: germline.
Comment: The p.M420K variant (also known as c.1259T>A), located in coding exon 4 of the BARD1 gene, results from a T to A substitution at nucleotide position 1259. The methionine at codon 420 is replaced by lysine, an amino acid with similar properties. This variant was not reported in population based cohorts in the following databases: Database of Single Nucleotide Polymorphisms (dbSNP), NHLBI Exome Sequencing Project (ESP), and 1000 Genomes Project. In the ESP, this variant was not observed in 6503 samples (13006 alleles) with coverage at this position. To date, this alteration has been detected with an allele frequency of approximately 0.005% (greater than 22000 alleles tested) in our clinical cohort. This amino acid position is poorly conserved in available vertebrate species. In addition, this alteration is predicted to be benign and tolerated by PolyPhen and SIFT in silico analyses, respectively. Since supporting evidence is limited at this time, the clinical significance of p.M420K remains unclear.

NM_000465.4(BARD1):c.1259T>A (p.Met420Lys)

Gene: BARD1 (BRCA1 associated RING domain 1; minus strand). Cytogenetic location: 2q35.
Variant type: single nucleotide variant.
Coding change: c.1259T>A on transcript NM_000465.4 (MANE Select); coding-DNA position 1259, T replaced by A.
Protein change: p.Met420Lys; replaces methionine 420 with lysine.
Molecular consequence: missense variant. On other transcripts: non-coding transcript variant (2), intron variant (3).
Genome position (GRCh38, 1-based): chr2:214,780,615, A>T on the plus strand (T>A on the coding strand, the complement: BARD1 is on the minus strand). VCF-style: chr2-214780615-A-T. GRCh37 (hg19) VCF-style: chr2-215645339-A-T.
Other names: c.1202T>A, p.Met401Lys (NM_001282543.2); c.159-28060T>A (NM_001282548.2); c.215+16446T>A (NM_001282545.2); c.364+11682T>A (NM_001282549.2); short protein forms M420K, M401K.
Identifiers: ClinVar variation 186783 (VCV000186783.5), dbSNP rs786203217, ClinGen allele CA195859.